The following is an entry in ClinVar:

NM_001378457.1(DMXL2):c.3670C>G (p.Gln1224Glu)

Gene: DMXL2 (Dmx like 2; minus strand). Cytogenetic location: 15q21.2.
Variant type: single nucleotide variant.
Coding change: c.3670C>G on transcript NM_001378457.1 (MANE Select); coding-DNA position 3670, C replaced by G.
Protein change: p.Gln1224Glu; replaces glutamine 1224 with glutamic acid.
Molecular consequence: missense variant. On other transcripts: non-coding transcript variant (2), intron variant (2).
Genome position (GRCh38, 1-based): chr15:51,499,554, G>C on the plus strand (C>G on the coding strand, the complement: DMXL2 is on the minus strand). VCF-style: chr15-51499554-G-C. GRCh37 (hg19) VCF-style: chr15-51791751-G-C.
Other names: c.3670C>G, p.Gln1224Glu (NM_001174116.3, NM_001378458.1, NM_001378459.1 and 4 more transcripts); c.3430C>G, p.Gln1144Glu (NM_001378464.1); c.2764+7580C>G (NM_001378460.1); c.2765-4420C>G (NM_001174117.3); short protein forms Q1144E, Q1224E.
Identifiers: ClinVar variation 2893185 (VCV002893185.3), dbSNP rs768751729, ClinGen allele CA7562136.

ClinVar aggregate classification (germline): Uncertain significance (1 of 4 stars; one submission).

Allele frequency attached by ClinVar (database versions not stated): ExAC 0.00001; gnomAD exomes 0.00001.
gnomAD v4.1: 3 of 1,614,052 alleles (0.00019%); highest among the groups gnomAD compares: Admixed American, 0.005%; no homozygotes.

Submission:

Labcorp Genetics (formerly Invitae), Labcorp
Classification: Uncertain significance. Last evaluated: 2023-11-01. Review status: criteria provided, single submitter. Criteria: Invitae Variant Classification Sherloc (09022015). Collection method: clinical testing. Allele origin: germline.
Comment: This sequence change replaces glutamine, which is neutral and polar, with glutamic acid, which is acidic and polar, at codon 1224 of the DMXL2 protein (p.Gln1224Glu). This variant is present in population databases (rs768751729, gnomAD 0.006%). This variant has not been reported in the literature in individuals affected with DMXL2-related conditions. An algorithm developed to predict the effect of missense changes on protein structure and function (PolyPhen-2) suggests that this variant is likely to be disruptive. In summary, the available evidence is currently insufficient to determine the role of this variant in disease. Therefore, it has been classified as a Variant of Uncertain Significance.